The following is an entry in ClinVar:

NM_031935.3(HMCN1):c.11437A>C (p.Met3813Leu)

Gene: HMCN1 (hemicentin 1; plus strand). Cytogenetic location: 1q31.1.
Variant type: single nucleotide variant.
Coding change: c.11437A>C on transcript NM_031935.3 (MANE Select); coding-DNA position 11437, A replaced by C.
Protein change: p.Met3813Leu; replaces methionine 3813 with leucine.
Molecular consequence: missense variant.
Genome position (GRCh38, 1-based): chr1:186,115,290, A>C. VCF-style: chr1-186115290-A-C. GRCh37 (hg19) VCF-style: chr1-186084422-A-C.
Other names: short protein forms M3813L.
Identifiers: ClinVar variation 4723799 (VCV004723799.1).
Genomic context (GRCh38, chr1:186,115,290, plus strand): 5'-TCCTTCTTATTTGGTGACATTGTCTTAGTTCCTCCATCTATTGCTCCGGGTCCTACCAAC[A>C]TGACTGTAATAGTAAATGTTCAAACTACTCTGGCTTGTGAGGCTACTGGGATACCAAAAC-3'
Protein context (NP_114141.2, residues 3803-3823): PPSIAPGPTN[Met3813Leu]TVIVNVQTTL

ClinVar aggregate classification (germline): Uncertain significance (1 of 4 stars; one submission).

Submission:

Labcorp Genetics (formerly Invitae), Labcorp
Classification: Uncertain significance. Last evaluated: 2025-10-22. Review status: criteria provided, single submitter. Criteria: Invitae Variant Classification Sherloc (09022015). Collection method: clinical testing. Allele origin: germline.
Comment: This sequence change replaces methionine, which is neutral and non-polar, with leucine, which is neutral and non-polar, at codon 3813 of the HMCN1 protein (p.Met3813Leu). This variant is not present in population databases (gnomAD no frequency). This variant has not been reported in the literature in individuals affected with HMCN1-related conditions. An algorithm developed to predict the effect of missense changes on protein structure and function (PolyPhen-2) suggests that this variant is likely to be tolerated. In summary, the available evidence is currently insufficient to determine the role of this variant in disease. Therefore, it has been classified as a Variant of Uncertain Significance.